The following is an entry in ClinVar:

ClinVar aggregate classification (germline): Uncertain significance (1 of 4 stars; one submission).

Submission:

Labcorp Genetics (formerly Invitae), Labcorp
Classification: Uncertain significance. Last evaluated: 2023-10-02. Review status: criteria provided, single submitter. Criteria: Invitae Variant Classification Sherloc (09022015). Collection method: clinical testing. Allele origin: germline.
Comment: This sequence change falls in intron 6 of the LSS gene. It does not directly change the encoded amino acid sequence of the LSS protein. This variant is present in population databases (no rsID available, gnomAD 0.007%). This variant has not been reported in the literature in individuals affected with LSS-related conditions. ClinVar contains an entry for this variant (Variation ID: 2200988). Algorithms developed to predict the effect of sequence changes on RNA splicing suggest that this variant may disrupt the consensus splice site. In summary, the available evidence is currently insufficient to determine the role of this variant in disease. Therefore, it has been classified as a Variant of Uncertain Significance.

NM_002340.6(LSS):c.648-7G>T

Gene: LSS (lanosterol synthase; minus strand). Cytogenetic location: 21q22.3.
Variant type: single nucleotide variant.
Coding change: c.648-7G>T on transcript NM_002340.6 (MANE Select); 7 bases into the intron before coding-DNA position 648, G replaced by T.
Molecular consequence: intron variant.
Genome position (GRCh38, 1-based): chr21:46,216,531, C>A on the plus strand (G>T on the coding strand, the complement: LSS is on the minus strand). VCF-style: chr21-46216531-C-A. GRCh37 (hg19) VCF-style: chr21-47636445-C-A.
Other names: c.615-7G>T (NM_001145436.2); c.648-7G>T (NM_001001438.3); c.408-7G>T (NM_001145437.2).
Identifiers: ClinVar variation 2200988 (VCV002200988.4), dbSNP rs764102055, ClinGen allele CA638192340.